The following is an entry in ClinVar:

ClinVar aggregate classification (germline): Uncertain significance (1 of 4 stars; one submission).

Allele frequency attached by ClinVar (database versions not stated): TOPMed below 0.00001; gnomAD 0.00001; 1000 Genomes Project 30x 0.00016; 1000 Genomes Project 0.00020.

Submission:

Labcorp Genetics (formerly Invitae), Labcorp
Classification: Uncertain significance. Last evaluated: 2024-03-12. Review status: criteria provided, single submitter. Criteria: Invitae Variant Classification Sherloc (09022015). Collection method: clinical testing. Allele origin: germline.
Comment: This sequence change replaces asparagine, which is neutral and polar, with serine, which is neutral and polar, at codon 658 of the ZNF341 protein (p.Asn658Ser). This variant is not present in population databases (gnomAD no frequency). This variant has not been reported in the literature in individuals affected with ZNF341-related conditions. ClinVar contains an entry for this variant (Variation ID: 1379284). An algorithm developed to predict the effect of missense changes on protein structure and function (PolyPhen-2) suggests that this variant is likely to be disruptive. In summary, the available evidence is currently insufficient to determine the role of this variant in disease. Therefore, it has been classified as a Variant of Uncertain Significance.

NM_001282933.2(ZNF341):c.1994A>G (p.Asn665Ser)

Genes: ZNF341 (zinc finger protein 341; plus strand), ZNF341-AS1 (ZNF341 antisense RNA 1; minus strand). Cytogenetic location: 20q11.22.
Variant type: single nucleotide variant.
Coding change: c.1994A>G on transcript NM_001282933.2 (MANE Select); coding-DNA position 1994, A replaced by G.
Protein change: p.Asn665Ser; replaces asparagine 665 with serine.
Molecular consequence: missense variant. On other transcripts: non-coding transcript variant (1).
Genome position (GRCh38, 1-based): chr20:33,789,547, A>G. VCF-style: chr20-33789547-A-G. GRCh37 (hg19) VCF-style: chr20-32377353-A-G.
Other names: c.1724A>G, p.Asn575Ser (NM_001282935.2); c.1973A>G, p.Asn658Ser (NM_032819.5); short protein forms N575S, N665S, N658S.
Identifiers: ClinVar variation 1379284 (VCV001379284.6), dbSNP rs535813809, ClinGen allele CA313311314.